The following is an entry in ClinVar:

NM_001287.6(CLCN7):c.2191C>T (p.Arg731Trp)

Gene: CLCN7 (Cl-/H+ antiporter 7; minus strand). Cytogenetic location: 16p13.3.
Variant type: single nucleotide variant.
Coding change: c.2191C>T on transcript NM_001287.6 (MANE Select); coding-DNA position 2191, C replaced by T.
Protein change: p.Arg731Trp; replaces arginine 731 with tryptophan.
Molecular consequence: missense variant.
Genome position (GRCh38, 1-based): chr16:1,447,451, G>A on the plus strand (C>T on the coding strand, the complement: CLCN7 is on the minus strand). VCF-style: chr16-1447451-G-A. GRCh37 (hg19) VCF-style: chr16-1497452-G-A.
Other names: c.2119C>T, p.Arg707Trp (NM_001114331.3); c.2191C>T (NM_001287.4); short protein forms R707W, R731W.
Identifiers: ClinVar variation 1952132 (VCV001952132.6), dbSNP rs958814324, ClinGen allele CA394185581.
Genomic context (GRCh38, chr16:1,447,451, plus strand): 5'-CCTGGGGCACCGTGTAGGGGGAGGGGTTCATGAACTCGGAGAGGTCCATGGTGCACTCCC[G>A]CTCGTCCTGGGACACGTGGATGGACTGGATGGGTGGGAAGCGCGGGTAGGCGTCTCGGAA-3'
Protein context (NP_001278.1, residues 721-741): IQSIHVSQDE[Arg731Trp]ECTMDLSEFM

ClinVar aggregate classification (germline): Uncertain significance. Review status: criteria provided, multiple submitters, no conflicts (2 of 4 stars). 2 submissions from 2 submitters: Uncertain significance (2). Last evaluated 2025-07-28.

Conditions:
Inborn genetic diseases. Identifiers: MedGen C0950123, MeSH D030342.

gnomAD v4.1: 16 of 1,552,226 alleles (0.001%); highest among the groups gnomAD compares: African/African-American, 0.0096%; no homozygotes.

Submissions (2):

Labcorp Genetics (formerly Invitae), Labcorp
Classification: Uncertain significance. Last evaluated: 2025-07-28. Review status: criteria provided, single submitter. Criteria: Invitae Variant Classification Sherloc (09022015). Collection method: clinical testing. Allele origin: germline.
Comment: This sequence change replaces arginine, which is basic and polar, with tryptophan, which is neutral and slightly polar, at codon 731 of the CLCN7 protein (p.Arg731Trp). The frequency data for this variant in the population databases is considered unreliable, as metrics indicate poor data quality at this position in the gnomAD database. This variant has not been reported in the literature in individuals affected with CLCN7-related conditions. ClinVar contains an entry for this variant (Variation ID: 1952132). An algorithm developed to predict the effect of missense changes on protein structure and function (PolyPhen-2) suggests that this variant is likely to be disruptive. In summary, the available evidence is currently insufficient to determine the role of this variant in disease. Therefore, it has been classified as a Variant of Uncertain Significance.

Ambry Genetics
Classification: Uncertain significance for Inborn genetic diseases. Last evaluated: 2025-02-13. Review status: criteria provided, single submitter. Criteria: Ambry Variant Classification Scheme 2023. Collection method: clinical testing. Allele origin: germline.